The following is an entry in ClinVar:

NM_006231.4(POLE):c.4560C>G (p.Ser1520Arg)

Gene: POLE (DNA polymerase epsilon, catalytic subunit; minus strand). Cytogenetic location: 12q24.33.
Variant type: single nucleotide variant.
Coding change: c.4560C>G on transcript NM_006231.4 (MANE Select); coding-DNA position 4560, C replaced by G.
Protein change: p.Ser1520Arg; replaces serine 1520 with arginine.
Molecular consequence: missense variant.
Genome position (GRCh38, 1-based): chr12:132,642,988, G>C on the plus strand (C>G on the coding strand, the complement: POLE is on the minus strand). VCF-style: chr12-132642988-G-C. GRCh37 (hg19) VCF-style: chr12-133219574-G-C.
Other names: short protein forms S1520R.
Identifiers: ClinVar variation 1020631 (VCV001020631.12), dbSNP rs2042187560, ClinGen allele CA387379354.

ClinVar aggregate classification (germline): Uncertain significance. Review status: criteria provided, multiple submitters, no conflicts (2 of 4 stars). 3 submissions from 3 submitters: Uncertain significance (2). 1 of the submissions does not count toward it. Last evaluated 2025-09-19.

Conditions:
Hereditary cancer-predisposing syndrome. Also called: Hereditary Cancer Syndrome; Hereditary neoplastic syndrome; Tumor predisposition; Neoplastic Syndromes, Hereditary. Identifiers: Orphanet 140162, MedGen C0027672, MeSH D009386, MONDO:0015356.
Carcinoma of colon (CRC). Also called: Colonic carcinoma; Colon carcinoma. Identifiers: MedGen C0699790, MONDO:0002032.

Allele frequency attached by ClinVar (database versions not stated): gnomAD 0.00001.
gnomAD v4.1: 1 of 1,593,772 alleles (0.000063%); highest among the groups gnomAD compares: Non-Finnish European, 0.000085%; no homozygotes.

Submissions (3):

Labcorp Genetics (formerly Invitae), Labcorp
Classification: Uncertain significance. Last evaluated: 2025-09-19. Review status: criteria provided, single submitter. Criteria: Invitae Variant Classification Sherloc (09022015). Collection method: clinical testing. Allele origin: germline.
Comment: This sequence change replaces serine, which is neutral and polar, with arginine, which is basic and polar, at codon 1520 of the POLE protein (p.Ser1520Arg). This variant is not present in population databases (gnomAD no frequency). This variant has not been reported in the literature in individuals affected with POLE-related conditions. ClinVar contains an entry for this variant (Variation ID: 1020631). Invitae Evidence Modeling of protein sequence and biophysical properties (such as structural, functional, and spatial information, amino acid conservation, physicochemical variation, residue mobility, and thermodynamic stability) indicates that this missense variant is not expected to disrupt POLE protein function with a negative predictive value of 80%. In summary, the available evidence is currently insufficient to determine the role of this variant in disease. Therefore, it has been classified as a Variant of Uncertain Significance.

Ambry Genetics
Classification: Uncertain significance for Hereditary cancer-predisposing syndrome. Last evaluated: 2022-07-10. Review status: criteria provided, single submitter. Criteria: Ambry Variant Classification Scheme 2023. Collection method: clinical testing. Allele origin: germline.
Comment: The p.S1520R variant (also known as c.4560C>G), located in coding exon 36 of the POLE gene, results from a C to G substitution at nucleotide position 4560. The serine at codon 1520 is replaced by arginine, an amino acid with dissimilar properties. This amino acid position is conserved. In addition, the in silico prediction for this alteration is inconclusive. Since supporting evidence is limited at this time, the clinical significance of this alteration remains unclear.

Department of Pathology and Laboratory Medicine, Sinai Health System
Classification: Uncertain significance for Carcinoma of colon. Review status: no assertion criteria provided. Collection method: clinical testing. Allele origin: unknown. Affected: yes. Study: The Canadian Open Genetics Repository (COGR). Not counted in ClinVar's aggregate classification.
Comment: The POLE p.Ser1520Arg variant was not identified in the literature nor was it identified in the dbSNP, ClinVar, Cosmic, MutDB, the 1000 Genomes Project, the NHLBI GO Exome Sequencing Project, the Exome Aggregation Consortium (August 8th 2016), or the Genome Aggregation Database (Feb 27, 2017). The variant occurs outside of the splicing consensus sequence and in silico or computational prediction software programs (SpliceSiteFinder, MaxEntScan, NNSPLICE, GeneSplicer, HumanSpliceFinder) do not predict a difference in splicing. The p.Ser1520 residue is conserved in mammals and computational analyses (PolyPhen-2, SIFT, AlignGVGD, BLOSUM, MutationTaster) provide inconsistent predictions regarding the impact to the protein; this information is not very predictive of pathogenicity. In summary, based on the above information the clinical significance of this variant cannot be determined with certainty at this time. This variant is classified as a variant of uncertain significance.